The following is an entry in ClinVar:

ClinVar aggregate classification (germline): Uncertain significance (1 of 4 stars; one submission).

Conditions:
Hypoplastic left heart syndrome. Also called: Hypoplastic left heart; Hypoplastic left ventricle. Identifiers: Orphanet 2248, MedGen C0152101, MONDO:0004933, HP:0004383.

Allele frequency attached by ClinVar (database versions not stated): ExAC 0.00001; gnomAD 0.00001; 1000 Genomes Project 30x 0.00016; 1000 Genomes Project 0.00020.
gnomAD v4.1: 2 of 1,614,160 alleles (0.00012%); highest among the groups gnomAD compares: East Asian, 0.0022%; no homozygotes.

Submission:

Labcorp Genetics (formerly Invitae), Labcorp
Classification: Uncertain significance for Hypoplastic left heart syndrome. Last evaluated: 2025-08-03. Review status: criteria provided, single submitter. Criteria: Invitae Variant Classification Sherloc (09022015). Collection method: clinical testing. Allele origin: germline.
Comment: This sequence change replaces glycine, which is neutral and non-polar, with aspartic acid, which is acidic and polar, at codon 171 of the HAND1 protein (p.Gly171Asp). This variant is not present in population databases (gnomAD no frequency). This variant has not been reported in the literature in individuals affected with HAND1-related conditions. ClinVar contains an entry for this variant (Variation ID: 2039631). An algorithm developed to predict the effect of missense changes on protein structure and function (PolyPhen-2) suggests that this variant is likely to be tolerated. In summary, the available evidence is currently insufficient to determine the role of this variant in disease. Therefore, it has been classified as a Variant of Uncertain Significance.

NM_004821.3(HAND1):c.512G>A (p.Gly171Asp)

Gene: HAND1 (heart and neural crest derivatives expressed 1; minus strand). Cytogenetic location: 5q33.2.
Variant type: single nucleotide variant.
Coding change: c.512G>A on transcript NM_004821.3 (MANE Select); coding-DNA position 512, G replaced by A.
Protein change: p.Gly171Asp; replaces glycine 171 with aspartic acid.
Molecular consequence: missense variant.
Genome position (GRCh38, 1-based): chr5:154,477,497, C>T on the plus strand (G>A on the coding strand, the complement: HAND1 is on the minus strand). VCF-style: chr5-154477497-C-T. GRCh37 (hg19) VCF-style: chr5-153857057-C-T.
Other names: short protein forms G171D.
Identifiers: ClinVar variation 2039631 (VCV002039631.4), dbSNP rs201984942, ClinGen allele CA3526548.